The following is an entry in ClinVar:

NM_201384.3(PLEC):c.6064_6065insCCC (p.Ala2021_Arg2022insPro)

Gene: PLEC (plectin; minus strand). Cytogenetic location: 8q24.3.
Variant type: Insertion.
Coding change: c.6064_6065insCCC on transcript NM_201384.3 (MANE Select); coding-DNA positions 6064 to 6065, CCC inserted.
Protein change: p.Ala2021_Arg2022insPro.
Molecular consequence: inframe insertion.
Genome position: GRCh38 VCF-style: chr8-143923864-C-CGGG. GRCh37 (hg19) VCF-style: chr8-144998032-C-CGGG.
Other names: c.6145_6146insCCC, p.Ala2048_Arg2049insPro (NM_000445.5); c.6022_6023insCCC, p.Ala2007_Arg2008insPro (NM_201378.4); c.5998_5999insCCC, p.Ala1999_Arg2000insPro (NM_201379.3); c.6475_6476insCCC, p.Ala2158_Arg2159insPro (NM_201380.4); c.5968_5969insCCC, p.Ala1989_Arg1990insPro (NM_201381.3); c.6064_6065insCCC, p.Ala2021_Arg2022insPro (NM_201382.4); c.6076_6077insCCC, p.Ala2025_Arg2026insPro (NM_201383.3).
Identifiers: ClinVar variation 538975 (VCV000538975.6), dbSNP rs1554694552, ClinGen allele CA658797164.

ClinVar aggregate classification (germline): Uncertain significance (1 of 4 stars; one submission).

Conditions:
Epidermolysis bullosa simplex with nail dystrophy (EBS5D). Identifiers: MedGen C4225309, MONDO:0014661, OMIM 616487.
Epidermolysis bullosa simplex 5B, with muscular dystrophy (EBS5B). Also called: EPIDERMOLYSIS BULLOSA SIMPLEX AND LIMB-GIRDLE MUSCULAR DYSTROPHY; Epidermolysis bullosa simplex with muscular dystrophy. Identifiers: Orphanet 257, MedGen C2931072, MONDO:0009181, OMIM 226670.
Epidermolysis bullosa simplex, Ogna type (EBS5A). Also called: Pidermolysis bullosa simplex 5A, Ogna type; EPIDERMOLYSIS BULLOSA SIMPLEX 5A, OGNA TYPE. Identifiers: Orphanet 79401, MedGen C0432317, MONDO:0007555, OMIM 131950.
Autosomal recessive limb-girdle muscular dystrophy type 2Q (LGMDR17). Also called: MUSCULAR DYSTROPHY, LIMB-GIRDLE, AUTOSOMAL RECESSIVE 17. Identifiers: Orphanet 254361, MedGen C3150989, MONDO:0013390, OMIM 613723.
Epidermolysis bullosa simplex 5C, with pyloric atresia (EBS5C). Also called: PLEC-Related Epidermolysis Bullosa with Pyloric Atresia; Epidermolysis bullosa simplex with pyloric atresia; PLEC1-Related Epidermolysis Bullosa with Pyloric Atresia. Identifiers: Orphanet 158684, MedGen C2677349, MONDO:0012807, OMIM 612138.

Submission:

Labcorp Genetics (formerly Invitae), Labcorp
Classification: Uncertain significance for Autosomal recessive limb-girdle muscular dystrophy type 2Q; Epidermolysis bullosa simplex, Ogna type; Epidermolysis bullosa simplex with nail dystrophy; Epidermolysis bullosa simplex 5C, with pyloric atresia; Epidermolysis bullosa simplex 5B, with muscular dystrophy. Last evaluated: 2017-11-07. Review status: criteria provided, single submitter. Criteria: Invitae Variant Classification Sherloc (09022015). Collection method: clinical testing. Allele origin: germline.
Comment: In summary, the available evidence is currently insufficient to determine the role of this variant in disease. Therefore, it has been classified as a Variant of Uncertain Significance. Experimental studies and prediction algorithms are not available for this variant, and the functional significance of the inserted amino acid is currently unknown. This variant has not been reported in the literature in individuals with PLEC-related disease. This variant is not present in population databases (ExAC no frequency). This variant, c.6145_6146insCCC, results in the insertion of 1 amino acids to the PLEC protein (p.Ala2048_Arg2049insPro), but otherwise preserves the integrity of the reading frame.